The following is an entry in ClinVar:

NM_001040108.2(MLH3):c.1735A>C (p.Thr579Pro)

Gene: MLH3 (mutL homolog 3; minus strand). Cytogenetic location: 14q24.3.
Variant type: single nucleotide variant.
Coding change: c.1735A>C on transcript NM_001040108.2 (MANE Select); coding-DNA position 1735, A replaced by C.
Protein change: p.Thr579Pro; replaces threonine 579 with proline.
Molecular consequence: missense variant.
Genome position (GRCh38, 1-based): chr14:75,047,921, T>G on the plus strand (A>C on the coding strand, the complement: MLH3 is on the minus strand). VCF-style: chr14-75047921-T-G. GRCh37 (hg19) VCF-style: chr14-75514624-T-G.
Other names: c.1735A>C, p.Thr579Pro (NM_014381.3); short protein forms T579P.
Identifiers: ClinVar variation 4055468 (VCV004055468.1).

ClinVar aggregate classification (germline): Uncertain significance (1 of 4 stars; one submission).

Submission:

Ambry Genetics
Classification: Uncertain significance. Last evaluated: 2025-03-29. Review status: criteria provided, single submitter. Criteria: Ambry Variant Classification Scheme 2023. Collection method: clinical testing. Allele origin: germline.
Comment: The p.T579P variant (also known as c.1735A>C), located in coding exon 1 of the MLH3 gene, results from an A to C substitution at nucleotide position 1735. The threonine at codon 579 is replaced by proline, an amino acid with highly similar properties. This amino acid position is conserved. In addition, this alteration is predicted to be tolerated by in silico analysis. Based on the available evidence, the clinical significance of this variant remains unclear.